The following is an entry in ClinVar:

NM_015459.5(ATL3):c.1501G>A (p.Gly501Arg)

Genes: ATL3 (atlastin GTPase 3; minus strand), LNCROPM (lncRNA regulator of PLAAT3 mediated phospholipid metabolism; plus strand). Cytogenetic location: 11q13.1.
Variant type: single nucleotide variant.
Coding change: c.1501G>A on transcript NM_015459.5 (MANE Select); coding-DNA position 1501, G replaced by A.
Protein change: p.Gly501Arg; replaces glycine 501 with arginine.
Molecular consequence: missense variant.
Genome position (GRCh38, 1-based): chr11:63,631,078, C>T on the plus strand (G>A on the coding strand, the complement: ATL3 is on the minus strand). VCF-style: chr11-63631078-C-T. GRCh37 (hg19) VCF-style: chr11-63398550-C-T.
Other names: p.Gly501Arg; c.1447G>A, p.Gly483Arg (NM_001290048.2); short protein forms G483R, G501R.
Identifiers: ClinVar variation 474835 (VCV000474835.19), dbSNP rs112847445, ClinGen allele CA6063507.

ClinVar aggregate classification (germline): Conflicting classifications of pathogenicity. Review status: criteria provided, conflicting classifications (1 of 4 stars). 4 submissions from 4 submitters: Uncertain significance (1); Benign (2); Likely benign (1). Last evaluated 2025-12-01.

Conditions:
ATL3-related disorder. Also called: ATL3-related condition.
Inborn genetic diseases. Identifiers: MedGen C0950123, MeSH D030342.
Neuropathy, hereditary sensory, type 1F. Also called: HSN IF; Hereditary sensory neuropathy type IF. Identifiers: Orphanet 36386, MedGen C3810194, MONDO:0014286, OMIM 615632.

Allele frequency attached by ClinVar (database versions not stated): ExAC 0.00085; 1000 Genomes Project 0.00140; 1000 Genomes Project 30x 0.00141; ESP Exome Variant Server 0.00249; gnomAD 0.00253 and 0.00270; TOPMed 0.00258; gnomAD exomes 0.00067.

Submissions (4):

Labcorp Genetics (formerly Invitae), Labcorp
Classification: Benign for Neuropathy, hereditary sensory, type 1F. Last evaluated: 2025-12-01. Review status: criteria provided, single submitter. Criteria: Invitae Variant Classification Sherloc (09022015). Collection method: clinical testing. Allele origin: germline.

Mayo Clinic Laboratories, Mayo Clinic
Classification: Uncertain significance. Last evaluated: 2025-10-20. Review status: criteria provided, single submitter. Criteria: ACMG Guidelines, 2015. Collection method: clinical testing. Allele origin: germline. Observed: 2 variant alleles.
Comment: BS2

PreventionGenetics, part of Exact Sciences
Classification: Benign for ATL3-related condition. Last evaluated: 2025-05-08. Review status: criteria provided, single submitter. Criteria: ACMG Guidelines, 2015. Collection method: clinical testing. Allele origin: germline.
Comment: This variant is classified as benign based on ACMG/AMP sequence variant interpretation guidelines (Richards et al. 2015 PMID: 25741868, with internal and published modifications).

Ambry Genetics
Classification: Likely benign for Inborn genetic diseases. Last evaluated: 2019-11-08. Review status: criteria provided, single submitter. Criteria: Ambry Variant Classification Scheme 2023. Collection method: clinical testing. Allele origin: germline.